The following is an entry in ClinVar:

ClinVar aggregate classification (germline): Uncertain significance (1 of 4 stars; one submission).

Submission:

GeneDx
Classification: Uncertain significance. Last evaluated: 2024-04-29. Review status: criteria provided, single submitter. Criteria: GeneDx Variant Classification Process June 2021. Collection method: clinical testing. Allele origin: germline. Affected: yes.
Comment: Not observed at significant frequency in large population cohorts (gnomAD); In silico analysis indicates that this missense variant does not alter protein structure/function; Has not been previously published as pathogenic or benign to our knowledge

NM_004115.4(FGF14):c.665G>C (p.Gly222Ala)

Gene: FGF14 (fibroblast growth factor 14; minus strand). Cytogenetic location: 13q33.1.
Variant type: single nucleotide variant.
Coding change: c.665G>C on transcript NM_004115.4 (MANE Select); coding-DNA position 665, G replaced by C.
Protein change: p.Gly222Ala; replaces glycine 222 with alanine.
Molecular consequence: missense variant.
Genome position (GRCh38, 1-based): chr13:101,722,910, C>G on the plus strand (G>C on the coding strand, the complement: FGF14 is on the minus strand). VCF-style: chr13-101722910-C-G. GRCh37 (hg19) VCF-style: chr13-102375260-C-G.
Other names: c.413G>C, p.Gly138Ala (NM_001321931.1, NM_001321934.1, NM_001321935.1 and 4 more transcripts); c.476G>C, p.Gly159Ala (NM_001321932.1, NM_001321936.1, NM_001321944.1); c.485G>C, p.Gly162Ala (NM_001321933.1, NM_001321938.2, NM_001321940.1); c.569G>C, p.Gly190Ala (NM_001321939.2); c.479G>C, p.Gly160Ala (NM_001321941.2); c.563G>C, p.Gly188Ala (NM_001321945.2, NM_001321948.2, NM_001379342.1); c.524G>C, p.Gly175Ala (NM_001321947.2); c.680G>C, p.Gly227Ala (NM_175929.3); short protein forms G138A, G159A, G160A, G162A, G175A, G188A, G190A, G222A.
Identifiers: ClinVar variation 3373142 (VCV003373142.1).